The following is an entry in ClinVar:

NM_031418.4(ANO3):c.1585C>A (p.Pro529Thr)

Gene: ANO3 (anoctamin 3; plus strand). Cytogenetic location: 11p14.2.
Variant type: single nucleotide variant.
Coding change: c.1585C>A on transcript NM_031418.4 (MANE Select); coding-DNA position 1585, C replaced by A.
Protein change: p.Pro529Thr; replaces proline 529 with threonine.
Molecular consequence: missense variant.
Genome position (GRCh38, 1-based): chr11:26,598,912, C>A. VCF-style: chr11-26598912-C-A. GRCh37 (hg19) VCF-style: chr11-26620459-C-A.
Other names: c.1768C>A, p.Pro590Thr (NM_001313726.2); c.1147C>A, p.Pro383Thr (NM_001313727.2); short protein forms P383T, P529T, P590T.
Identifiers: ClinVar variation 1986112 (VCV001986112.7), dbSNP rs371081253, ClinGen allele CA5926284.

ClinVar aggregate classification (germline): Uncertain significance. Review status: criteria provided, multiple submitters, no conflicts (2 of 4 stars). 2 submissions from 2 submitters: Uncertain significance (2). Last evaluated 2022-03-03.

Conditions:
Dystonic disorder. Also called: Dystonia. Identifiers: MedGen C0013421, MONDO:0003441, HP:0001332.
Dystonia 24 (DYT24). Also called: DYT-ANO3. Identifiers: Orphanet 420485, MedGen C3554374, MONDO:0014019, OMIM 615034.

Allele frequency attached by ClinVar (database versions not stated): ExAC 0.00001; ESP Exome Variant Server 0.00008; gnomAD 0.00001; gnomAD exomes 0.00001; TOPMed 0.00002.
gnomAD v4.1: 6 of 1,613,720 alleles (0.00037%); highest among the groups gnomAD compares: East Asian, 0.0022%; no homozygotes.

Submissions (2):

Labcorp Genetics (formerly Invitae), Labcorp
Classification: Uncertain significance for Dystonic disorder. Last evaluated: 2022-03-03. Review status: criteria provided, single submitter. Criteria: Invitae Variant Classification Sherloc (09022015). Collection method: clinical testing. Allele origin: germline.
Comment: In summary, the available evidence is currently insufficient to determine the role of this variant in disease. Therefore, it has been classified as a Variant of Uncertain Significance. Algorithms developed to predict the effect of missense changes on protein structure and function are either unavailable or do not agree on the potential impact of this missense change (SIFT: "Deleterious"; PolyPhen-2: "Probably Damaging"; Align-GVGD: "Class C0"). This variant has not been reported in the literature in individuals affected with ANO3-related conditions. This variant is present in population databases (rs371081253, gnomAD 0.003%). This sequence change replaces proline, which is neutral and non-polar, with threonine, which is neutral and polar, at codon 529 of the ANO3 protein (p.Pro529Thr).

Revvity Omics, Revvity
Classification: Uncertain significance for Dystonia 24. Last evaluated: 2021-10-06. Review status: criteria provided, single submitter. Criteria: ACMG Guidelines, 2015. Collection method: clinical testing. Allele origin: germline.